The following is an entry in ClinVar:

NM_017415.3(KLHL3):c.232A>G (p.Met78Val)

Gene: KLHL3 (kelch like family member 3; minus strand). Cytogenetic location: 5q31.2.
Variant type: single nucleotide variant.
Coding change: c.232A>G on transcript NM_017415.3 (MANE Select); coding-DNA position 232, A replaced by G.
Protein change: p.Met78Val; replaces methionine 78 with valine.
Molecular consequence: missense variant.
Genome position (GRCh38, 1-based): chr5:137,709,759, T>C on the plus strand (A>G on the coding strand, the complement: KLHL3 is on the minus strand). VCF-style: chr5-137709759-T-C. GRCh37 (hg19) VCF-style: chr5-137045448-T-C.
Other names: c.136A>G, p.Met46Val (NM_001257194.1); short protein forms M78V, M46V.
Identifiers: ClinVar variation 100538 (VCV000100538.3), dbSNP rs199469624, ClinGen allele CA269978.

ClinVar aggregate classification (germline): Pathogenic (0 of 4 stars; one submission).

Conditions:
Pseudohypoaldosteronism type 2A (PHA2A). Also called: GORDON HYPERKALEMIA-HYPERTENSION SYNDROME; HYPERTENSIVE HYPERKALEMIA, FAMILIAL. Identifiers: Orphanet 757, Orphanet 88938, MedGen C1840389, MONDO:0007772, OMIM 145260.

Submission:

Richard Lifton Laboratory, Yale University School of Medicine
Classification: Pathogenic for Pseudohypoaldosteronism, type 2. Review status: no assertion criteria provided. Collection method: not provided. Allele origin: germline.
Comment: dominant;BTB domain
ClinVar note: Converted during submission from pathogenic to Pathogenic.